The following is an entry in ClinVar:

ClinVar aggregate classification (germline): Uncertain significance (1 of 4 stars; one submission).

Allele frequency attached by ClinVar (database versions not stated): gnomAD exomes below 0.00001.
gnomAD v4.1: 2 of 1,614,178 alleles (0.00012%); highest among the groups gnomAD compares: South Asian, 0.0022%; no homozygotes.

Submission:

Labcorp Genetics (formerly Invitae), Labcorp
Classification: Uncertain significance. Last evaluated: 2024-01-05. Review status: criteria provided, single submitter. Criteria: Invitae Variant Classification Sherloc (09022015). Collection method: clinical testing. Allele origin: germline.
Comment: This sequence change replaces glutamic acid, which is acidic and polar, with aspartic acid, which is acidic and polar, at codon 156 of the JAK1 protein (p.Glu156Asp). This variant is not present in population databases (gnomAD no frequency). This variant has not been reported in the literature in individuals affected with JAK1-related conditions. Advanced modeling of protein sequence and biophysical properties (such as structural, functional, and spatial information, amino acid conservation, physicochemical variation, residue mobility, and thermodynamic stability) performed at Invitae indicates that this missense variant is not expected to disrupt JAK1 protein function with a negative predictive value of 80%. In summary, the available evidence is currently insufficient to determine the role of this variant in disease. Therefore, it has been classified as a Variant of Uncertain Significance.

NM_002227.4(JAK1):c.468G>C (p.Glu156Asp)

Gene: JAK1 (Janus kinase 1; minus strand). Cytogenetic location: 1p31.3.
Variant type: single nucleotide variant.
Coding change: c.468G>C on transcript NM_002227.4 (MANE Select); coding-DNA position 468, G replaced by C.
Protein change: p.Glu156Asp; replaces glutamic acid 156 with aspartic acid.
Molecular consequence: missense variant.
Genome position (GRCh38, 1-based): chr1:64,873,385, C>G on the plus strand (G>C on the coding strand, the complement: JAK1 is on the minus strand). VCF-style: chr1-64873385-C-G. GRCh37 (hg19) VCF-style: chr1-65339068-C-G.
Other names: c.468G>C, p.Glu156Asp (NM_001320923.2, NM_001321852.2, NM_001321853.2 and 4 more transcripts); short protein forms E156D.
Identifiers: ClinVar variation 2705351 (VCV002705351.3), dbSNP rs2101158399, ClinGen allele CA340677673.
Genomic context (GRCh38, chr1:64,873,385, plus strand): 5'-TCCCATCCCACAAACTCCAGCTTCTCCTGGGCCCAAACTTCCTACCTGAGCAAACAGATA[C>G]TCCAGTGAGCTGGCATCAAGGAGAGGGGTTGCATCTGGAATCTTTTTTTTCTCGTAGCCA-3'
Protein context (NP_002218.2, residues 146-166): ATPLLDASSL[Glu156Asp]YLFAQGQYDL